The following is an entry in ClinVar:

NM_017763.6(RNF43):c.2090A>G (p.His697Arg)

Gene: RNF43 (ring finger protein 43; minus strand). Cytogenetic location: 17q22.
Variant type: single nucleotide variant.
Coding change: c.2090A>G on transcript NM_017763.6 (MANE Select); coding-DNA position 2090, A replaced by G.
Protein change: p.His697Arg; replaces histidine 697 with arginine.
Molecular consequence: missense variant.
Genome position (GRCh38, 1-based): chr17:58,357,686, T>C on the plus strand (A>G on the coding strand, the complement: RNF43 is on the minus strand). VCF-style: chr17-58357686-T-C. GRCh37 (hg19) VCF-style: chr17-56435047-T-C.
Other names: c.2090A>G, p.His697Arg (NM_001305544.3); c.1709A>G, p.His570Arg (NM_001305545.2); c.2090A>G (NM_017763.4); short protein forms H570R, H697R.
Identifiers: ClinVar variation 1022199 (VCV001022199.14), dbSNP rs562828978, ClinGen allele CA8673069.

ClinVar aggregate classification (germline): Uncertain significance. Review status: criteria provided, multiple submitters, no conflicts (2 of 4 stars). 5 submissions from 5 submitters: Uncertain significance (5). Last evaluated 2025-12-12.

Conditions:
Sessile serrated polyposis cancer syndrome (SSPCS). Identifiers: Orphanet 157798, MedGen C4310714, MONDO:0014919, OMIM 617108.

Allele frequency attached by ClinVar (database versions not stated): gnomAD exomes 0.00001 and 0.00002; ExAC 0.00002; gnomAD 0.00004 and 0.00005; TOPMed 0.00004; 1000 Genomes Project 30x 0.00016; 1000 Genomes Project 0.00020.
gnomAD v4.1: 15 of 1,612,106 alleles (0.00093%); highest among the groups gnomAD compares: African/African-American, 0.013%; no homozygotes.

Submissions (5):

Ambry Genetics
Classification: Uncertain significance. Last evaluated: 2025-12-12. Review status: criteria provided, single submitter. Criteria: Ambry Variant Classification Scheme 2023. Collection method: clinical testing. Allele origin: germline.
Comment: The p.H697R variant (also known as c.2090A>G), located in coding exon 8 of the RNF43 gene, results from an A to G substitution at nucleotide position 2090. The histidine at codon 697 is replaced by arginine, an amino acid with highly similar properties. This amino acid position is highly conserved in available vertebrate species. In addition, this alteration is predicted to be tolerated by in silico analysis. The evidence for this gene-disease relationship is limited; therefore, the clinical significance of this alteration is unclear.

Labcorp Genetics (formerly Invitae), Labcorp
Classification: Uncertain significance. Last evaluated: 2025-01-12. Review status: criteria provided, single submitter. Criteria: Invitae Variant Classification Sherloc (09022015). Collection method: clinical testing. Allele origin: germline.
Comment: This sequence change replaces histidine, which is basic and polar, with arginine, which is basic and polar, at codon 697 of the RNF43 protein (p.His697Arg). This variant is present in population databases (rs562828978, gnomAD 0.02%). This variant has not been reported in the literature in individuals affected with RNF43-related conditions. ClinVar contains an entry for this variant (Variation ID: 1022199). An algorithm developed to predict the effect of missense changes on protein structure and function (PolyPhen-2) suggests that this variant is likely to be tolerated. In summary, the available evidence is currently insufficient to determine the role of this variant in disease. Therefore, it has been classified as a Variant of Uncertain Significance.

Fulgent Genetics
Classification: Uncertain significance for Sessile serrated polyposis cancer syndrome. Last evaluated: 2024-03-28. Review status: criteria provided, single submitter. Criteria: ACMG Guidelines, 2015. Collection method: clinical testing. Allele origin: germline.

Baylor Genetics
Classification: Uncertain significance for Sessile serrated polyposis cancer syndrome. Last evaluated: 2023-11-09. Review status: criteria provided, single submitter. Criteria: ACMG Guidelines, 2015. Collection method: clinical testing. Allele origin: unknown.

GeneDx
Classification: Uncertain significance. Last evaluated: 2023-06-01. Review status: criteria provided, single submitter. Criteria: GeneDx Variant Classification Process June 2021. Collection method: clinical testing. Allele origin: germline. Affected: yes.
Comment: In silico analysis supports that this missense variant does not alter protein structure/function; Has not been previously published as pathogenic or benign to our knowledge; Variants in candidate genes are classified as variants of uncertain significance in accordance with ACMG guidelines (Richards et al., 2015)